The following is an entry in ClinVar:

NM_002474.3(MYH11):c.3712G>A (p.Gly1238Arg)

Gene: MYH11 (myosin heavy chain 11; minus strand). Cytogenetic location: 16p13.11.
Variant type: single nucleotide variant.
Coding change: c.3712G>A on transcript NM_002474.3 (MANE Select); coding-DNA position 3712, G replaced by A.
Protein change: p.Gly1238Arg; replaces glycine 1238 with arginine.
Molecular consequence: missense variant.
Genome position (GRCh38, 1-based): chr16:15,726,994, C>T on the plus strand (G>A on the coding strand, the complement: MYH11 is on the minus strand). VCF-style: chr16-15726994-C-T. GRCh37 (hg19) VCF-style: chr16-15820851-C-T.
Other names: c.3733G>A, p.Gly1245Arg (NM_001040113.2, NM_001040114.2); c.3712G>A, p.Gly1238Arg (NM_022844.3); c.3712G>A (NM_002474.2); short protein forms G1245R, G1238R.
Identifiers: ClinVar variation 534142 (VCV000534142.19), dbSNP rs558332944, ClinGen allele CA7921910.

ClinVar aggregate classification (germline): Uncertain significance. Review status: criteria provided, multiple submitters, no conflicts (2 of 4 stars). 7 submissions from 7 submitters: Uncertain significance (7). Last evaluated 2024-09-23.

Conditions:
Aortic aneurysm, familial thoracic 4 (AAT4). Also called: AORTIC ANEURYSM/AORTIC DISSECTION AND PATENT DUCTUS ARTERIOSUS. Identifiers: MedGen C1851504, MONDO:0007568, OMIM 132900.
Megacystis-microcolon-intestinal hypoperistalsis syndrome 2. Identifiers: MedGen C5543476, MONDO:0025708, OMIM 619351.
Visceral myopathy 2. Identifiers: MedGen C5543466, MONDO:0859157, OMIM 619350.
Familial thoracic aortic aneurysm and aortic dissection (TAAD). Also called: Thoracic aortic aneurysms and dissections. Identifiers: Orphanet 91387, MedGen C4707243, MONDO:0019625.

Allele frequency attached by ClinVar (database versions not stated): TOPMed below 0.00001; gnomAD 0.00001.
gnomAD v4.1: 22 of 1,611,896 alleles (0.0014%); highest among the groups gnomAD compares: East Asian, 0.016%; no homozygotes.

Submissions (7):

All of Us Research Program, National Institutes of Health
Classification: Uncertain significance for Familial thoracic aortic aneurysm and aortic dissection. Last evaluated: 2024-09-23. Review status: criteria provided, single submitter. Criteria: ACMG Guidelines, 2015. Collection method: clinical testing. Allele origin: germline. Inheritance: Autosomal dominant inheritance. Observed: 5 variant alleles, 5 heterozygotes.
Comment: This missense variant replaces glycine with arginine at codon 1245 of the MYH11 protein. Computational prediction suggests that this variant may not impact protein structure and function (internally defined REVEL score threshold <= 0.5, PMID: 27666373). To our knowledge, functional studies have not been reported for this variant. This variant has not been reported in individuals affected with cardiovascular disorders in the literature. This variant has been identified in 5/251198 chromosomes in the general population by the Genome Aggregation Database (gnomAD). The available evidence is insufficient to determine the role of this variant in disease conclusively. Therefore, this variant is classified as a Variant of Uncertain Significance.

This study involves interpretation of variants in research participants for the purpose of population health screening. Participant phenotype was not available at the time of variant classification. Additional details can be found in publication PMID: 35346344, PMCID: PMC8962531

GeneDx
Classification: Uncertain significance. Last evaluated: 2024-06-21. Review status: criteria provided, single submitter. Criteria: GeneDx Variant Classification Process June 2021. Collection method: clinical testing. Allele origin: germline. Affected: yes.
Comment: Has not been previously published as pathogenic or benign to our knowledge; Not observed at significant frequency in large population cohorts (gnomAD); In silico analysis indicates that this missense variant does not alter protein structure/function

Color Diagnostics, LLC DBA Color Health
Classification: Uncertain significance for Familial thoracic aortic aneurysm and aortic dissection. Last evaluated: 2024-03-06. Review status: criteria provided, single submitter. Criteria: ACMG Guidelines, 2015. Collection method: clinical testing. Allele origin: germline.
Comment: This missense variant replaces glycine with arginine at codon 1245 of the MYH11 protein. Computational prediction tool indicates that this variant may have a neutral impact on protein structure and function. To our knowledge, functional studies have not been reported for this variant. This variant has not been reported in individuals affected with MYH11-related disorders in the literature. This variant has been identified in 5/251198 chromosomes in the general population by the Genome Aggregation Database (gnomAD). The available evidence is insufficient to determine the role of this variant in disease conclusively. Therefore, this variant is classified as a Variant of Uncertain Significance.

MGZ Medical Genetics Center
Classification: Uncertain significance for Aortic aneurysm, familial thoracic 4. Last evaluated: 2021-12-03. Review status: criteria provided, single submitter. Criteria: ACMG Guidelines, 2015. Collection method: clinical testing. Allele origin: germline. Affected: yes. Observed: 1 variant allele.
Comment: ACMG criteria applied: PM2_SUP, BP4

Fulgent Genetics
Classification: Uncertain significance for Aortic aneurysm, familial thoracic 4; Visceral myopathy 2; Megacystis-microcolon-intestinal hypoperistalsis syndrome 2. Last evaluated: 2021-08-30. Review status: criteria provided, single submitter. Criteria: ACMG Guidelines, 2015. Collection method: clinical testing. Allele origin: unknown.

Labcorp Genetics (formerly Invitae), Labcorp
Classification: Uncertain significance for Aortic aneurysm, familial thoracic 4. Last evaluated: 2021-08-13. Review status: criteria provided, single submitter. Criteria: Invitae Variant Classification Sherloc (09022015). Collection method: clinical testing. Allele origin: germline.
Comment: This sequence change replaces glycine with arginine at codon 1245 of the MYH11 protein (p.Gly1245Arg). The glycine residue is moderately conserved and there is a moderate physicochemical difference between glycine and arginine. This variant is present in population databases (rs558332944, ExAC 0.02%). This variant has not been reported in the literature in individuals affected with MYH11-related conditions. ClinVar contains an entry for this variant (Variation ID: 534142). Algorithms developed to predict the effect of missense changes on protein structure and function are either unavailable or do not agree on the potential impact of this missense change (SIFT: "Deleterious"; PolyPhen-2: "Benign"; Align-GVGD: "Class C0"). In summary, the available evidence is currently insufficient to determine the role of this variant in disease. Therefore, it has been classified as a Variant of Uncertain Significance.

Ambry Genetics
Classification: Uncertain significance for Familial thoracic aortic aneurysm and aortic dissection. Last evaluated: 2020-02-12. Review status: criteria provided, single submitter. Criteria: Ambry Variant Classification Scheme 2023. Collection method: clinical testing. Allele origin: germline.
Comment: The p.G1238R variant (also known as c.3712G>A), located in coding exon 27 of the MYH11 gene, results from a G to A substitution at nucleotide position 3712. The glycine at codon 1238 is replaced by arginine, an amino acid with dissimilar properties. This amino acid position is not well conserved in available vertebrate species. In addition, this alteration is predicted to be tolerated by in silico analysis. Since supporting evidence is limited at this time, the clinical significance of this alteration remains unclear.